The following is an entry in ClinVar:

NM_001042545.2(LTBP4):c.2993_2994delinsTT (p.Cys998Phe)

Gene: LTBP4 (latent transforming growth factor beta binding protein 4; plus strand). Cytogenetic location: 19q13.2.
Variant type: Indel.
Coding change: c.2993_2994delinsTT on transcript NM_001042545.2 (MANE Select); coding-DNA positions 2993 to 2994, GC replaced by TT.
Protein change: p.Cys998Phe; replaces cysteine 998 with phenylalanine.
Molecular consequence: missense variant.
Genome position (GRCh38, 1-based): chr19:40,617,148-40,617,149, GC replaced by TT. VCF-style: chr19-40617148-GC-TT. GRCh37 (hg19) VCF-style: chr19-41123054-GC-TT.
Other names: c.3083_3084delGCinsTT (NM_003573.2); c.3194_3195delinsTT, p.Cys1065Phe (NM_001042544.1); c.3083_3084delinsTT, p.Cys1028Phe (NM_003573.2); short protein forms C1028F, C998F, C1065F.
Identifiers: ClinVar variation 546083 (VCV000546083.4), dbSNP rs1555738914, ClinGen allele CA658824284.

ClinVar aggregate classification (germline): Uncertain significance. Review status: criteria provided, multiple submitters, no conflicts (2 of 4 stars). 2 submissions from 2 submitters: Uncertain significance (2). Last evaluated 2025-10-09.

Submissions (2):

GeneDx
Classification: Uncertain significance. Last evaluated: 2025-10-09. Review status: criteria provided, single submitter. Criteria: GeneDx Variant Classification Process June 2021. Collection method: clinical testing. Allele origin: germline. Affected: yes.
Comment: Not observed at significant frequency in large population cohorts (gnomAD); In silico analysis supports a deleterious effect on protein structure/function; Has not been previously published as pathogenic or benign to our knowledge

Labcorp Genetics (formerly Invitae), Labcorp
Classification: Uncertain significance. Last evaluated: 2024-12-27. Review status: criteria provided, single submitter. Criteria: Invitae Variant Classification Sherloc (09022015). Collection method: clinical testing. Allele origin: germline.
Comment: This sequence change replaces cysteine, which is neutral and slightly polar, with phenylalanine, which is neutral and non-polar, at codon 1028 of the LTBP4 protein (p.Cys1028Phe). This variant is present in population databases (no rsID available, gnomAD 0.003%). This variant has not been reported in the literature in individuals affected with LTBP4-related conditions. ClinVar contains an entry for this variant (Variation ID: 546083). Experimental studies and prediction algorithms are not available or were not evaluated, and the functional significance of this variant is currently unknown. In summary, the available evidence is currently insufficient to determine the role of this variant in disease. Therefore, it has been classified as a Variant of Uncertain Significance.